The following is an entry in ClinVar:

ClinVar aggregate classification (germline): Pathogenic (1 of 4 stars; one submission).

Conditions:
Familial melanoma. Also called: Hereditary melanoma; Hereditary cutaneous melanoma. Identifiers: Orphanet 618, MedGen C1512419, MONDO:0018961.

Submission:

Labcorp Genetics (formerly Invitae), Labcorp
Classification: Pathogenic for Familial melanoma. Last evaluated: 2022-10-18. Review status: criteria provided, single submitter. Criteria: Invitae Variant Classification Sherloc (09022015). Collection method: clinical testing. Allele origin: germline.
Comment: The CDKN2A gene encodes two different proteins, p16INK4a and p14ARF, which are translated from alternative transcripts that have different open reading frames. This variant is a gross deletion of the entire CDKN2A genomic region, encompassing all exons of the p16INK4a and p14ARF transcripts. The boundaries of this event are unknown as the deletion extends beyond the assayed region for these transcripts and therefore may encompass additional genes. This is expected to result in absent p16INK4a and p14ARF protein products. Similar gross deletions encompassing both of the CDKN2A p16INK4a and p14ARF coding sequences has been observed in individual(s) with melanoma and/or nervous system tumors (PMID: 9622062). It has also been observed to segregate with disease in related individuals. For these reasons, this variant has been classified as Pathogenic. The evidence indicates that this variant confers risk of developing CDKN2A (p16INK4a) and CDKN2A (p14ARF)-associated conditions.

Literature cited by the submitters: PubMed 9622062.

NC_000009.11:g.(?_21968228)_(22160087_?)del

Genes: CDKN2A (cyclin dependent kinase inhibitor 2A; minus strand), CDKN2B (cyclin dependent kinase inhibitor 2B; minus strand), CDKN2B-AS1 (CDKN2B antisense RNA 1; plus strand). Cytogenetic location: 9p21.3.
Variant type: Deletion.
Identifiers: ClinVar variation 1070481 (VCV001070481.6).